The following is an entry in ClinVar:

ClinVar aggregate classification (germline): Benign. Review status: criteria provided, multiple submitters, no conflicts (2 of 4 stars). 7 submissions from 7 submitters: Benign (7). Last evaluated 2025-12-20.

Conditions:
Autosomal dominant nonsyndromic hearing loss 4A. Also called: Deafness, autosomal dominant 4A. Identifiers: Orphanet 90635, MedGen C1833503, MONDO:0010915, OMIM 600652.

Allele frequency attached by ClinVar (database versions not stated): gnomAD exomes 0.00120 and 0.00314; ExAC 0.00369; gnomAD 0.00984 and 0.01020; TOPMed 0.01108; ESP Exome Variant Server 0.01110; 1000 Genomes Project 0.01418; 1000 Genomes Project 30x 0.01468.
gnomAD v4.1: 3,273 of 1,572,288 alleles (0.21%); highest among the groups gnomAD compares: African/African-American, 3.5%; 52 homozygotes.

Submissions (7):

Labcorp Genetics (formerly Invitae), Labcorp
Classification: Benign. Last evaluated: 2025-12-20. Review status: criteria provided, single submitter. Criteria: Invitae Variant Classification Sherloc (09022015). Collection method: clinical testing. Allele origin: germline.

ARUP Laboratories, Molecular Genetics and Genomics, ARUP Laboratories
Classification: Benign. Last evaluated: 2023-11-22. Review status: criteria provided, single submitter. Criteria: ARUP Molecular Germline Variant Investigation Process 2024. Collection method: clinical testing. Allele origin: germline.

Athena Diagnostics
Classification: Benign. Last evaluated: 2019-08-05. Review status: criteria provided, single submitter. Criteria: Athena Diagnostics Criteria. Collection method: clinical testing. Allele origin: germline.

GeneDx
Classification: Benign. Last evaluated: 2018-03-28. Review status: criteria provided, single submitter. Criteria: GeneDx Variant Classification (06012015). Collection method: clinical testing. Allele origin: germline. Affected: yes.
Comment: This variant is considered likely benign or benign based on one or more of the following criteria: it is a conservative change, it occurs at a poorly conserved position in the protein, it is predicted to be benign by multiple in silico algorithms, and/or has population frequency not consistent with disease.

Illumina Laboratory Services, Illumina
Classification: Benign for Autosomal dominant nonsyndromic hearing loss 4A. Last evaluated: 2018-01-12. Review status: criteria provided, single submitter. Criteria: ICSL Variant Classification Criteria 13 December 2019. Collection method: clinical testing. Allele origin: germline.
Comment: This variant was observed in the ICSL laboratory as part of a predisposition screen in an ostensibly healthy population. It had not been previously curated by ICSL or reported in the Human Gene Mutation Database (HGMD: prior to June 1st, 2018), and was therefore a candidate for classification through an automated scoring system. Utilizing variant allele frequency, disease prevalence and penetrance estimates, and inheritance mode, an automated score was calculated to assess if this variant is too frequent to cause the disease. Based on the score and internal cut-off values, a variant classified as benign is not then subjected to further curation. The score for this variant resulted in a classification of benign for this disease.

Laboratory for Molecular Medicine, Mass General Brigham Personalized Medicine
Classification: Benign. Last evaluated: 2012-05-07. Review status: criteria provided, single submitter. Criteria: LMM Criteria. Collection method: clinical testing. Allele origin: germline. Observed: 9 variant alleles.
Comment: "Leu1822Leu in Exon 39 of MYH14: This variant is not expected to have clinical s ignificance because it does not alter an amino acid residue, is not located with in the splice consensus sequence, and has been identified in 2.8% (104/3710) of African American chromosomes from a broad population by the NHLBI Exome Sequenci ng Project (dbSNP rs10419343)."

Breakthrough Genomics
Classification: Benign. Review status: criteria provided, single submitter. Criteria: ACMG Guidelines, 2015. Collection method: not provided. Allele origin: germline. Inheritance: Autosomal dominant inheritance. Affected: yes.

NM_001145809.2(MYH14):c.5466G>A (p.Leu1822=)

Gene: MYH14 (myosin heavy chain 14; plus strand). Cytogenetic location: 19q13.33.
Variant type: single nucleotide variant.
Coding change: c.5466G>A on transcript NM_001145809.2 (MANE Select); coding-DNA position 5466, G replaced by A.
Protein change: p.Leu1822=; no amino-acid change (leucine 1822 retained).
Molecular consequence: synonymous variant.
Genome position (GRCh38, 1-based): chr19:50,293,684, G>A. VCF-style: chr19-50293684-G-A. GRCh37 (hg19) VCF-style: chr19-50796941-G-A.
Other names: c.5367G>A, p.Leu1789= (NM_001077186.2); c.5343G>A, p.Leu1781= (NM_024729.4).
Identifiers: ClinVar variation 164206 (VCV000164206.20), dbSNP rs10419343, ClinGen allele CA176927.